The following is an entry in ClinVar:

ClinVar aggregate classification (germline): Pathogenic/Likely pathogenic. Review status: criteria provided, multiple submitters, no conflicts (2 of 4 stars). 4 submissions from 4 submitters: Pathogenic (1); Likely pathogenic (3). Last evaluated 2025-03-20.

Conditions:
Early-infantile DEE. Also called: Early infantile epileptic encephalopathy with suppression bursts; Ohtahara syndrome; Early infantile epileptic encephalopathy. Identifiers: Orphanet 1934, MedGen C0393706, MONDO:0800491.
Generalized epilepsy with febrile seizures plus, type 2 (GEFSP2). Also called: GEFS+, TYPE 2. Identifiers: Orphanet 36387, MedGen C1858673, MONDO:0011461, OMIM 604403.

Submissions (4):

Labcorp Genetics (formerly Invitae), Labcorp
Classification: Likely pathogenic for Early-infantile DEE. Last evaluated: 2025-03-20. Review status: criteria provided, single submitter. Criteria: Invitae Variant Classification Sherloc (09022015). Collection method: clinical testing. Allele origin: germline.
Comment: This sequence change replaces methionine, which is neutral and non-polar, with threonine, which is neutral and polar, at codon 976 of the SCN1A protein (p.Met976Thr). This variant is not present in population databases (gnomAD no frequency). This variant has not been reported in the literature in individuals affected with SCN1A-related conditions. ClinVar contains an entry for this variant (Variation ID: 373282). Invitae Evidence Modeling of protein sequence and biophysical properties (such as structural, functional, and spatial information, amino acid conservation, physicochemical variation, residue mobility, and thermodynamic stability) indicates that this missense variant is expected to disrupt SCN1A protein function with a positive predictive value of 95%. This variant disrupts the p.Met976 amino acid residue in SCN1A. Other variant(s) that disrupt this residue have been determined to be pathogenic (PMID: 19522081, 22071555, 30619928). This suggests that this residue is clinically significant, and that variants that disrupt this residue are likely to be disease-causing. In summary, the currently available evidence indicates that the variant is pathogenic, but additional data are needed to prove that conclusively. Therefore, this variant has been classified as Likely Pathogenic.

3billion
Classification: Likely pathogenic for Generalized epilepsy with febrile seizures plus, type 2. Last evaluated: 2024-01-23. Review status: criteria provided, single submitter. Criteria: ACMG Guidelines, 2015. Collection method: clinical testing. Allele origin: germline. Affected: yes.
Comment: The variant is not observed in the gnomAD v2.1.1 dataset. Predicted Consequence/Location: Missense variant In silico tool predictions suggest damaging effect of the variant on gene or gene product [REVEL: 0.94 (>=0.6, sensitivity 0.68 and specificity 0.92); 3Cnet: 0.98 (>=0.6, sensitivity 0.72 and precision 0.9)]. Same nucleotide change resulting in same amino acid change has been previously reported as pathogenic/likely pathogenic with strong evidence (ClinVar ID: VCV000373282). Different missense changes at the same codon (p.Met976Ile, p.Met976Lys) have been reported as pathogenic/likely pathogenic with strong evidence (ClinVar ID: VCV000957303, VCV001444861 /PMID: 19522081, 30619928). Therefore, this variant is classified as Likely pathogenic according to the recommendation of ACMG/AMP guideline.

GeneDx
Classification: Likely pathogenic. Last evaluated: 2016-11-14. Review status: criteria provided, single submitter. Criteria: GeneDx Variant Classification (06012015). Collection method: clinical testing. Allele origin: germline. Affected: yes.
Comment: A M976T variant that is likely pathogenic has been identified in the SCN1A gene. The M976T variant has been reported previously in the SCN1A Variant Database as a familial variant in an individual with GEFS+; however, additional information about parental testing was not provided. Additionally, a different missense substitution at the same position (M976I) has been reported as a familial variant in an individual with GEFS+; however, additional information about parental testing was not provided (Orrico et al., 2009). The M976T variant was not observed in approximately 6,500 individuals of European and African American ancestry in the NHLBI Exome Sequencing Project, indicating it is not a common benign variant in these populations. The M976T variant is a non-conservative amino acid substitution, which alters a conserved position predicted to be within the transmembrane segment S6 of the second homologous domain. Additionally, in silico analysis predicts this variant is probably damaging to the protein structure/function. Furthermore, missense variants in nearby residues (M973V, M973K, V977M, G979R, G979E) have been reported in the Human Gene Mutation Database in association with SCN1A-related disorders (Stenson et al., 2014), supporting the functional importance of this region of the protein. Therefore, this variant is likely pathogenic; however, the possibility that it is benign cannot be excluded.

Centre de Biologie Pathologie Génétique, Centre Hospitalier Universitaire de Lille
Classification: Pathogenic for Generalized epilepsy with febrile seizures plus, type 2. Review status: criteria provided, single submitter. Criteria: ACMG Guidelines, 2015. Collection method: clinical testing. Allele origin: unknown. Affected: yes.

Literature cited by the submitters: PubMed 19522081 (cited by Labcorp Genetics (formerly Invitae), Labcorp and 3billion); PubMed 22071555 (cited by Labcorp Genetics (formerly Invitae), Labcorp); PubMed 30619928 (cited by Labcorp Genetics (formerly Invitae), Labcorp).

NM_001165963.4(SCN1A):c.2927T>C (p.Met976Thr)

Gene: SCN1A (sodium voltage-gated channel alpha subunit 1; minus strand). Cytogenetic location: 2q24.3.
Variant type: single nucleotide variant.
Coding change: c.2927T>C on transcript NM_001165963.4 (MANE Select); coding-DNA position 2927, T replaced by C.
Protein change: p.Met976Thr; replaces methionine 976 with threonine.
Molecular consequence: missense variant. On other transcripts: non-coding transcript variant (1).
Genome position (GRCh38, 1-based): chr2:166,037,795, A>G on the plus strand (T>C on the coding strand, the complement: SCN1A is on the minus strand). VCF-style: chr2-166037795-A-G. GRCh37 (hg19) VCF-style: chr2-166894305-A-G.
Other names: c.2843T>C, p.Met948Thr (NM_001165964.3, NM_001353957.2, NM_001353958.2); c.2927T>C, p.Met976Thr (NM_001202435.3, NM_001353948.2); c.2894T>C, p.Met965Thr (NM_001353949.2, NM_001353950.2, NM_001353951.2 and 2 more transcripts); c.2891T>C, p.Met964Thr (NM_001353954.2, NM_001353955.2); c.2840T>C, p.Met947Thr (NM_001353960.2); c.485T>C, p.Met162Thr (NM_001353961.2); short protein forms M965T, M976T, M964T, M162T, M947T, M948T.
Identifiers: ClinVar variation 373282 (VCV000373282.7), dbSNP rs1057518325, ClinGen allele CA16042359.
Genomic context (GRCh38, chr2:166,037,795, plus strand): 5'-CTGGTGTATTTCCAAAATGCATATCTTAAGTGGGTACATACCACTAGGTTTCCAATCACC[A>G]TGACCATCATGAAGACAGTAAGGCACATGGCTTGACCAGCAACCTCCATACAGTCCCACA-3'
Protein context (NP_001159435.1, residues 966-986): AMCLTVFMMV[Met976Thr]VIGNLVVLNL